The following is an entry in ClinVar:

NM_001267550.2(TTN):c.59147T>C (p.Ile19716Thr)

Genes: TTN (titin; minus strand), TTN-AS1 (TTN antisense RNA 1; plus strand). Cytogenetic location: 2q31.2.
Variant type: single nucleotide variant.
Coding change: c.59147T>C on transcript NM_001267550.2 (MANE Select); coding-DNA position 59147, T replaced by C.
Protein change: p.Ile19716Thr; replaces isoleucine 19716 with threonine.
Molecular consequence: missense variant.
Genome position (GRCh38, 1-based): chr2:178,592,972, A>G on the plus strand (T>C on the coding strand, the complement: TTN is on the minus strand). VCF-style: chr2-178592972-A-G. GRCh37 (hg19) VCF-style: chr2-179457699-A-G.
Other names: c.54224T>C, p.Ile18075Thr (NM_001256850.1); c.31952T>C, p.Ile10651Thr (NM_003319.4); c.51443T>C, p.Ile17148Thr (NM_133378.4); c.32327T>C, p.Ile10776Thr (NM_133432.3); c.32528T>C, p.Ile10843Thr (NM_133437.4); short protein forms I19716T, I10651T, I10843T, I17148T, I10776T, I18075T.
Identifiers: ClinVar variation 535251 (VCV000535251.7), dbSNP rs763636451, ClinGen allele CA1992710.
Genomic context (GRCh38, chr2:178,592,972, plus strand): 5'-GACTCAGGGGTGTGATTGGCTCTTCTCCACTCTTCATCTCCAACTTTCTGGTACTCAACA[A>G]TATAACCCAGAATCTTGCTCCCACCATCATGACGTGGTGGCTGCCAAGTTAGATCGACTG-3'
Protein context (NP_001254479.2, residues 19706-19726): HDGGSKILGY[Ile19716Thr]VEYQKVGDEE

ClinVar aggregate classification (germline): Conflicting classifications of pathogenicity. Review status: criteria provided, conflicting classifications (1 of 4 stars). 4 submissions from 4 submitters: Uncertain significance (3); Likely benign (1). Last evaluated 2026-03-27.

Conditions:
Dilated cardiomyopathy 1G (CMD1G). Identifiers: Orphanet 154, MedGen C1858763, MONDO:0011400, OMIM 604145.
Autosomal recessive limb-girdle muscular dystrophy type 2J (LGMDR10). Also called: Limb-girdle muscular dystrophy, type 2J; MUSCULAR DYSTROPHY, LIMB-GIRDLE, AUTOSOMAL RECESSIVE 10. Identifiers: Orphanet 140922, MedGen C1837342, MONDO:0012127, OMIM 608807.

Allele frequency attached by ClinVar (database versions not stated): gnomAD exomes below 0.00001; ExAC 0.00001.
gnomAD v4.1: 3 of 1,613,532 alleles (0.00019%); highest among the groups gnomAD compares: Admixed American, 0.0017%; no homozygotes.

Submissions (4):

Molecular Diagnostic Laboratory for Inherited Cardiovascular Disease, Montreal Heart Institute
Classification: Likely benign. Last evaluated: 2026-03-27. Review status: criteria provided, single submitter. Criteria: ACMG Guidelines, 2015. Collection method: clinical testing. Allele origin: germline. Affected: no.

Women's Health and Genetics/Laboratory Corporation of America, LabCorp
Classification: Uncertain significance. Last evaluated: 2025-07-02. Review status: criteria provided, single submitter. Criteria: LabCorp Variant Classification Summary - May 2015. Collection method: clinical testing. Allele origin: germline.
Comment: Variant summary: TTN c.51443T>C (p.Ile17148Thr) results in a non-conservative amino acid change in the encoded protein sequence. Algorithms developed to predict the effect of missense changes on protein structure and function are either unavailable or do not agree on the potential impact of this missense change. The variant was absent in 248394 control chromosomes. The available data on variant occurrences in the general population are insufficient to allow any conclusion about variant significance. To our knowledge, no occurrence of c.51443T>C in individuals affected with Autosomal Recessive Titinopathy and no experimental evidence demonstrating its impact on protein function have been reported. ClinVar contains an entry for this variant (Variation ID: 535251). Based on the evidence outlined above, the variant was classified as uncertain significance.

Revvity Omics, Revvity
Classification: Uncertain significance. Last evaluated: 2024-09-02. Review status: criteria provided, single submitter. Criteria: ACMG Guidelines, 2015. Collection method: clinical testing. Allele origin: germline.

Labcorp Genetics (formerly Invitae), Labcorp
Classification: Uncertain significance for Dilated cardiomyopathy 1G; Autosomal recessive limb-girdle muscular dystrophy type 2J. Last evaluated: 2017-11-28. Review status: criteria provided, single submitter. Criteria: Invitae Variant Classification Sherloc (09022015). Collection method: clinical testing. Allele origin: germline.